The following is an entry in ClinVar:

NM_001009944.3(PKD1):c.3240dup (p.Ser1081fs)

Gene: PKD1 (polycystin 1, transient receptor potential channel interacting; minus strand). Cytogenetic location: 16p13.3.
Variant type: Duplication.
Coding change: c.3240dup on transcript NM_001009944.3 (MANE Select); coding-DNA position 3240, one base duplicated (C; older notation c.3240dupC).
Protein change: p.Ser1081fs; shifts the reading frame from serine 1081.
Molecular consequence: frameshift variant.
Genome position (GRCh38, 1-based): chr16:2,112,395, G duplicated on the plus strand (C on the coding strand, the reverse complement: PKD1 is on the minus strand); the first of 4 consecutive G bases (chr16:2,112,395-2,112,398); duplicating any one gives the same sequence. VCF-style (leftmost placement, unchanged base first): chr16-2112394-A-AG. GRCh37 (hg19) VCF-style: chr16-2162395-A-AG.
Other names: c.3240dup, p.Ser1081fs (NM_000296.4); short protein forms S1081fs.
Identifiers: ClinVar variation 3256686 (VCV003256686.1).

ClinVar aggregate classification (germline): Pathogenic (1 of 4 stars; one submission).

Conditions:
Polycystic kidney disease, adult type (PKD1). Also called: Polycystic Kidney Disease 1, Autosomal Dominant; Polycystic kidney disease 1; Polycystic kidney disease 1, severe; POLYCYSTIC KIDNEY DISEASE, ADULT, TYPE I; Polycystic Kidney, Autosomal Dominant; POLYCYSTIC KIDNEY DISEASE 1 WITH OR WITHOUT POLYCYSTIC LIVER DISEASE. Identifiers: MedGen C3149841, MONDO:0008263, OMIM 173900.

Submission:

MVZ Medizinische Genetik Mainz
Classification: Pathogenic for Polycystic kidney disease, adult type. Last evaluated: 2024-04-30. Review status: criteria provided, single submitter. Criteria: UK Practice Guidelines For Variant Classification V4 01 2020. Collection method: clinical testing. Allele origin: germline. Inheritance: Autosomal dominant inheritance. Affected: yes. Observed: 1 variant allele.
Comment: ACMG Criteria: PVS1,PM2_SUP,PP4